The following is an entry in ClinVar:

ClinVar aggregate classification (germline): Uncertain significance (1 of 4 stars; one submission).

Allele frequency attached by ClinVar (database versions not stated): gnomAD exomes 0.00001; TOPMed 0.00001; gnomAD 0.00002; ExAC 0.00003.
gnomAD v4.1: 25 of 1,613,152 alleles (0.0015%); highest among the groups gnomAD compares: Non-Finnish European, 0.0019%; no homozygotes.

Submission:

Labcorp Genetics (formerly Invitae), Labcorp
Classification: Uncertain significance. Last evaluated: 2025-08-12. Review status: criteria provided, single submitter. Criteria: Invitae Variant Classification Sherloc (09022015). Collection method: clinical testing. Allele origin: germline.
Comment: This sequence change replaces isoleucine, which is neutral and non-polar, with serine, which is neutral and polar, at codon 1057 of the ITGAM protein (p.Ile1057Ser). This variant is present in population databases (rs775141495, gnomAD 0.004%). This variant has not been reported in the literature in individuals affected with ITGAM-related conditions. ClinVar contains an entry for this variant (Variation ID: 2427956). An algorithm developed to predict the effect of missense changes on protein structure and function outputs the following: PolyPhen-2: "Benign". The serine amino acid residue is found in multiple mammalian species, which suggests that this missense change does not adversely affect protein function. In summary, the available evidence is currently insufficient to determine the role of this variant in disease. Therefore, it has been classified as a Variant of Uncertain Significance.

NM_000632.4(ITGAM):c.3170T>G (p.Ile1057Ser)

Gene: ITGAM (integrin subunit alpha M; plus strand). Cytogenetic location: 16p11.2.
Variant type: single nucleotide variant.
Coding change: c.3170T>G on transcript NM_000632.4 (MANE Select); coding-DNA position 3170, T replaced by G.
Protein change: p.Ile1057Ser; replaces isoleucine 1057 with serine.
Molecular consequence: missense variant.
Genome position (GRCh38, 1-based): chr16:31,330,417, T>G. VCF-style: chr16-31330417-T-G. GRCh37 (hg19) VCF-style: chr16-31341738-T-G.
Other names: c.3173T>G, p.Ile1058Ser (NM_001145808.2); short protein forms I1057S, I1058S.
Identifiers: ClinVar variation 2427956 (VCV002427956.6), dbSNP rs775141495, ClinGen allele CA8026094.